The following is an entry in ClinVar:

ClinVar aggregate classification (germline): Uncertain significance. Review status: criteria provided, multiple submitters, no conflicts (2 of 4 stars). 2 submissions from 2 submitters: Uncertain significance (2). Last evaluated 2024-12-24.

Conditions:
Inborn genetic diseases. Identifiers: MedGen C0950123, MeSH D030342.

Allele frequency attached by ClinVar (database versions not stated): ExAC 0.00001; gnomAD exomes 0.00001; TOPMed 0.00002.
gnomAD v4.1: 7 of 1,613,112 alleles (0.00043%); highest among the groups gnomAD compares: Admixed American, 0.012%; no homozygotes.

Submissions (2):

Ambry Genetics
Classification: Uncertain significance for Inborn genetic diseases. Last evaluated: 2024-12-24. Review status: criteria provided, single submitter. Criteria: Ambry Variant Classification Scheme 2023. Collection method: clinical testing. Allele origin: germline.

Labcorp Genetics (formerly Invitae), Labcorp
Classification: Uncertain significance. Last evaluated: 2024-04-29. Review status: criteria provided, single submitter. Criteria: Invitae Variant Classification Sherloc (09022015). Collection method: clinical testing. Allele origin: germline.
Comment: This sequence change replaces valine, which is neutral and non-polar, with alanine, which is neutral and non-polar, at codon 880 of the MECOM protein (p.Val880Ala). This variant is present in population databases (rs773618877, gnomAD 0.02%). This variant has not been reported in the literature in individuals affected with MECOM-related conditions. ClinVar contains an entry for this variant (Variation ID: 2181487). Algorithms developed to predict the effect of missense changes on protein structure and function output the following: SIFT: "Not Available"; PolyPhen-2: "Benign"; Align-GVGD: "Not Available". The alanine amino acid residue is found in multiple mammalian species, which suggests that this missense change does not adversely affect protein function. In summary, the available evidence is currently insufficient to determine the role of this variant in disease. Therefore, it has been classified as a Variant of Uncertain Significance.

NM_004991.4(MECOM):c.3203T>C (p.Val1068Ala)

Gene: MECOM (MDS1 and EVI1 complex locus; minus strand). Cytogenetic location: 3q26.2.
Variant type: single nucleotide variant.
Coding change: c.3203T>C on transcript NM_004991.4 (MANE Select); coding-DNA position 3203, T replaced by C.
Protein change: p.Val1068Ala; replaces valine 1068 with alanine.
Molecular consequence: missense variant.
Genome position (GRCh38, 1-based): chr3:169,090,198, A>G on the plus strand (T>C on the coding strand, the complement: MECOM is on the minus strand). VCF-style: chr3-169090198-A-G. GRCh37 (hg19) VCF-style: chr3-168807986-A-G.
Other names: c.2834T>C, p.Val945Ala (NM_001105077.4); c.2639T>C, p.Val880Ala (NM_001105078.4, NM_001205194.2, NM_001366469.2 and 1 more transcripts); c.2615T>C, p.Val872Ala (NM_001163999.2, NM_001366470.2); c.2612T>C, p.Val871Ala (NM_001164000.2, NM_001366471.2, NM_001366472.2); c.3176T>C, p.Val1059Ala (NM_001366466.2); c.2642T>C, p.Val881Ala (NM_001366467.2, NM_001366468.2); c.2204T>C, p.Val735Ala (NM_001366473.2); c.1640T>C, p.Val547Ala (NM_001366474.2); and 1 more; short protein forms V880A, V1059A, V547A, V871A, V945A, V1068A, V735A, V872A.
Identifiers: ClinVar variation 2181487 (VCV002181487.5), dbSNP rs773618877, ClinGen allele CA2695946.